The following is an entry in ClinVar:

NM_000089.4(COL1A2):c.874G>T (p.Gly292Cys)

Gene: COL1A2 (collagen type I alpha 2 chain; plus strand). Cytogenetic location: 7q21.3.
Variant type: single nucleotide variant.
Coding change: c.874G>T on transcript NM_000089.4 (MANE Select); coding-DNA position 874, G replaced by T.
Protein change: p.Gly292Cys; replaces glycine 292 with cysteine.
Molecular consequence: missense variant.
Genome position (GRCh38, 1-based): chr7:94,409,403, G>T. VCF-style: chr7-94409403-G-T. GRCh37 (hg19) VCF-style: chr7-94038715-G-T.
Other names: short protein forms G292C.
Identifiers: ClinVar variation 1683639 (VCV001683639.5), dbSNP rs906553840, ClinGen allele CA368220687.
Genomic context (GRCh38, chr7:94,409,403, plus strand): 5'-AACGCTGGTCCTGCTGGTCCCGCCGGTCCCCGTGGTGAAGTGGGTCTTCCAGGCCTCTCC[G>T]GCCCCGTTGGACCTCCTGTAAGTAGCCACTGTCTTTAAACTTTATTGAGTAAAAGAAAAC-3'
Protein context (NP_000080.2, residues 282-302): RGEVGLPGLS[Gly292Cys]PVGPPGNPGA

ClinVar aggregate classification (germline): Pathogenic/Likely pathogenic. Review status: criteria provided, multiple submitters, no conflicts (2 of 4 stars). 2 submissions from 2 submitters: Pathogenic (1); Likely pathogenic (1). Last evaluated 2023-07-07.

Conditions:
Osteogenesis imperfecta with normal sclerae, dominant form (OI4). Also called: Osteogenesis imperfecta type 4; OSTEOGENESIS IMPERFECTA, TYPE IV, WITH DENTINOGENESIS IMPERFECTA; OSTEOGENESIS IMPERFECTA WITH NORMAL SCLERAE; Osteogenesis Imperfecta Type IV; Common Variable Osteogenesis Imperfecta with Normal Sclerae. Identifiers: Orphanet 216820, Orphanet 666, MedGen C0268363, MONDO:0008148, OMIM 166220.
Ehlers-Danlos syndrome, classic type, 1 (EDSCL1). Also called: EDS I; Ehlers-Danlos syndrome, type 1; EHLERS-DANLOS SYNDROME, GRAVIS TYPE; EHLERS-DANLOS SYNDROME, SEVERE CLASSIC TYPE; Ehlers-Danlos Syndrome, Classic Type, COL5A1-Related. Identifiers: MedGen C0268335, MONDO:0019567, OMIM 130000.
Osteogenesis imperfecta type I (OI1). Also called: Osteogenesis imperfecta type 1; Lobstein's Disease; OI, TYPE I; OSTEOGENESIS IMPERFECTA TARDA; OSTEOGENESIS IMPERFECTA WITH BLUE SCLERAE; Lobstein disease. Identifiers: Orphanet 216796, Orphanet 666, MedGen C0023931, MONDO:0008146, OMIM 166200. Disease mechanism: loss of function.

Submissions (2):

Labcorp Genetics (formerly Invitae), Labcorp
Classification: Pathogenic for Osteogenesis imperfecta type I; Ehlers-Danlos syndrome, classic type, 1. Last evaluated: 2023-07-07. Review status: criteria provided, single submitter. Criteria: Invitae Variant Classification Sherloc (09022015). Collection method: clinical testing. Allele origin: germline.
Comment: ClinVar contains an entry for this variant (Variation ID: 1683639). This missense change has been observed in individual(s) with osteogenesis imperfecta (Invitae). This variant is not present in population databases (gnomAD no frequency). This sequence change replaces glycine, which is neutral and non-polar, with cysteine, which is neutral and slightly polar, at codon 292 of the COL1A2 protein (p.Gly292Cys). Advanced modeling of protein sequence and biophysical properties (such as structural, functional, and spatial information, amino acid conservation, physicochemical variation, residue mobility, and thermodynamic stability) performed at Invitae indicates that this missense variant is expected to disrupt COL1A2 protein function. For these reasons, this variant has been classified as Pathogenic. This variant disrupts the triple helix domain of COL1A2. Glycine residues within the Gly-Xaa-Yaa repeats of the triple helix domain are required for the structure and stability of fibrillar collagens (PMID: 7695699, 8218237, 19344236). In COL1A2, variants affecting these glycine residues are significantly enriched in individuals with disease (PMID: 9016532, 17078022) compared to the general population (ExAC).

Laboratorio de Genetica e Diagnostico Molecular, Hospital Israelita Albert Einstein
Classification: Likely pathogenic for Osteogenesis imperfecta with normal sclerae, dominant form. Last evaluated: 2021-07-27. Review status: criteria provided, single submitter. Criteria: ACMG Guidelines, 2015. Collection method: clinical testing. Allele origin: germline. Affected: yes.
Comment: ACMG classification criteria: PM1 moderate, PM2 moderate, PM5, PP3 supporting

Literature cited by the submitters: PubMed 7695699 (cited by Labcorp Genetics (formerly Invitae), Labcorp); PubMed 8218237 (cited by Labcorp Genetics (formerly Invitae), Labcorp); PubMed 19344236 (cited by Labcorp Genetics (formerly Invitae), Labcorp); PubMed 9016532 (cited by Labcorp Genetics (formerly Invitae), Labcorp); PubMed 17078022 (cited by Labcorp Genetics (formerly Invitae), Labcorp).